The following is an entry in ClinVar:

ClinVar aggregate classification (germline): Uncertain significance (1 of 4 stars; one submission).

Conditions:
Chuvash polycythemia. Also called: POLYCYTHEMIA, VHL-DEPENDENT. Identifiers: Orphanet 238557, MedGen C1837915, MONDO:0009892, OMIM 263400.
Von Hippel-Lindau syndrome (VHLS). Also called: Von Hippel-Lindau; VHL syndrome; von Hippel–Lindau syndrome. Identifiers: Orphanet 892, MedGen C0019562, MONDO:0008667, OMIM 193300. Disease mechanism: loss of function.

Submission:

Labcorp Genetics (formerly Invitae), Labcorp
Classification: Uncertain significance for Von Hippel-Lindau syndrome; Chuvash polycythemia. Last evaluated: 2022-04-07. Review status: criteria provided, single submitter. Criteria: Invitae Variant Classification Sherloc (09022015). Collection method: clinical testing. Allele origin: germline.
Comment: In summary, the available evidence is currently insufficient to determine the role of this variant in disease. Therefore, it has been classified as a Variant of Uncertain Significance. Algorithms developed to predict the effect of sequence changes on RNA splicing suggest that this variant is not likely to affect RNA splicing. Experimental studies and prediction algorithms are not available or were not evaluated, and the functional significance of this variant is currently unknown. ClinVar contains an entry for this variant (Variation ID: 1036410). This variant has not been reported in the literature in individuals affected with VHL-related conditions. This variant is not present in population databases (gnomAD no frequency). This sequence change falls in intron 1 of the VHL gene. It is not expected to change the encoded amino acid sequence of the VHL protein. However, this sequence change falls within a cryptic exon in the VHL gene, known as exon E1’, which is naturally expressed at low levels in several human tissues (PMID: 29891534).

Literature cited by the submitters: PubMed 29891534.

NM_000551.4(VHL):c.340+754T>C

Genes: VHL (von Hippel-Lindau tumor suppressor; plus strand), LOC107303340 (3p25 von Hippel-Lindau tumor suppressor, E3 ubiquitin protein ligase Alu-mediated recombination region; plus strand). Cytogenetic location: 3p25.3.
Variant type: single nucleotide variant.
Coding change: c.340+754T>C on transcript NM_000551.4 (MANE Select); 754 bases into the intron after coding-DNA position 340, T replaced by C.
Molecular consequence: intron variant. On other transcripts: synonymous variant (1).
Genome position (GRCh38, 1-based): chr3:10,142,941, T>C. VCF-style: chr3-10142941-T-C. GRCh37 (hg19) VCF-style: chr3-10184625-T-C.
Other names: c.519T>C, p.Gly173= (NM_001354723.2); c.340+754T>C (NM_198156.3).
Identifiers: ClinVar variation 1036410 (VCV001036410.12), dbSNP rs1696163085, ClinGen allele CA1345067484.